The following is an entry in ClinVar:

ClinVar aggregate classification (germline): Uncertain significance (1 of 4 stars; one submission).

Submission:

Labcorp Genetics (formerly Invitae), Labcorp
Classification: Uncertain significance. Last evaluated: 2024-02-20. Review status: criteria provided, single submitter. Criteria: Invitae Variant Classification Sherloc (09022015). Collection method: clinical testing. Allele origin: germline.
Comment: This sequence change replaces glutamine, which is neutral and polar, with glutamic acid, which is acidic and polar, at codon 548 of the SRP72 protein (p.Gln548Glu). This variant is not present in population databases (gnomAD no frequency). This variant has not been reported in the literature in individuals affected with SRP72-related conditions. An algorithm developed to predict the effect of missense changes on protein structure and function (PolyPhen-2) suggests that this variant is likely to be tolerated. In summary, the available evidence is currently insufficient to determine the role of this variant in disease. Therefore, it has been classified as a Variant of Uncertain Significance.

NM_006947.4(SRP72):c.1642C>G (p.Gln548Glu)

Gene: SRP72 (signal recognition particle 72; plus strand). Cytogenetic location: 4q12.
Variant type: single nucleotide variant.
Coding change: c.1642C>G on transcript NM_006947.4 (MANE Select); coding-DNA position 1642, C replaced by G.
Protein change: p.Gln548Glu; replaces glutamine 548 with glutamic acid.
Molecular consequence: missense variant. On other transcripts: non-coding transcript variant (1).
Genome position (GRCh38, 1-based): chr4:56,495,358, C>G. VCF-style: chr4-56495358-C-G. GRCh37 (hg19) VCF-style: chr4-57361524-C-G.
Other names: c.1459C>G, p.Gln487Glu (NM_001267722.2); short protein forms Q487E, Q548E.
Identifiers: ClinVar variation 3679259 (VCV003679259.2).
Genomic context (GRCh38, chr4:56,495,358, plus strand): 5'-TTAATGCTCTATAAATATTTTATCACAAAGATGGTAATGATTTTTTTTTCTCTTTGTAGA[C>G]AGGGAGATTTGAAAAAGAAGAAAAAGAAAAAGAAGGGTAAGGCATTAAAAAAGTCTTTAT-3'
Protein context (NP_008878.3, residues 538-558): TGDSQPKEQG[Gln548Glu]GDLKKKKKKK